The following is an entry in ClinVar:

ClinVar aggregate classification (germline): Pathogenic (1 of 4 stars; one submission).

Conditions:
Neurofibromatosis, type 2 (SWNV). Also called: BILATERAL ACOUSTIC NEUROFIBROMATOSIS; SCHWANNOMATOSIS, VESTIBULAR; NF2-Related Schwannomatosis. Identifiers: Orphanet 637, MedGen C0027832, MONDO:0007039, OMIM 101000. Disease mechanism: loss of function.

Submission:

Labcorp Genetics (formerly Invitae), Labcorp
Classification: Pathogenic for Neurofibromatosis, type 2. Last evaluated: 2024-02-12. Review status: criteria provided, single submitter. Criteria: Invitae Variant Classification Sherloc (09022015). Collection method: clinical testing. Allele origin: germline.
Comment: This sequence change creates a premature translational stop signal (p.Ala370Profs*5) in the NF2 gene. It is expected to result in an absent or disrupted protein product. Loss-of-function variants in NF2 are known to be pathogenic (PMID: 9643284, 16983642). This variant is not present in population databases (gnomAD no frequency). This variant has not been reported in the literature in individuals affected with NF2-related conditions. For these reasons, this variant has been classified as Pathogenic.

Literature cited by the submitters: PubMed 9643284; PubMed 16983642.

NM_000268.4(NF2):c.1108del (p.Ala370fs)

Gene: NF2 (NF2, moesin-ezrin-radixin like (MERLIN) tumor suppressor; plus strand). Cytogenetic location: 22q12.2.
Variant type: Deletion.
Coding change: c.1108del on transcript NM_000268.4 (MANE Select); coding-DNA position 1108, one base deleted (G; older notation c.1108delG).
Protein change: p.Ala370fs; shifts the reading frame from alanine 370.
Molecular consequence: frameshift variant. On other transcripts: intron variant (1).
Genome position (GRCh38, 1-based): chr22:29,671,934, G deleted; the last of 2 consecutive G bases (chr22:29,671,933-29,671,934); deleting either gives the same sequence. VCF-style (leftmost placement, unchanged base first): chr22-29671932-TG-T. GRCh37 (hg19) VCF-style: chr22-30067921-TG-T.
Other names: c.448-22818del (NM_181833.3); c.994del, p.Ala332fs (NM_001407053.1, NM_001407056.1); c.985del, p.Ala329fs (NM_001407054.1, NM_001407058.1, NM_181829.3); c.982del, p.Ala328fs (NM_001407055.1, NM_181828.3); c.973del, p.Ala325fs (NM_001407057.1, NM_001407059.1); c.1108del, p.Ala370fs (NM_001407060.1, NM_001407066.1, NM_016418.5 and 2 more transcripts); c.850del, p.Ala284fs (NM_001407062.1); c.859del, p.Ala287fs (NM_001407063.1, NM_001407064.1, NM_181830.3 and 1 more transcripts); and 2 more; short protein forms A287fs, A332fs, A284fs, A293fs, A370fs, A192fs, A325fs, A328fs.
Identifiers: ClinVar variation 3640363 (VCV003640363.2).